The following is an entry in ClinVar:

NM_001354483.2(CSGALNACT1):c.1420C>T (p.His474Tyr)

Gene: CSGALNACT1 (chondroitin sulfate N-acetylgalactosaminyltransferase 1; minus strand). Cytogenetic location: 8p21.3.
Variant type: single nucleotide variant.
Coding change: c.1420C>T on transcript NM_001354483.2 (MANE Select); coding-DNA position 1420, C replaced by T.
Protein change: p.His474Tyr; replaces histidine 474 with tyrosine.
Molecular consequence: missense variant. On other transcripts: non-coding transcript variant (7).
Genome position (GRCh38, 1-based): chr8:19,405,959, G>A on the plus strand (C>T on the coding strand, the complement: CSGALNACT1 is on the minus strand). VCF-style: chr8-19405959-G-A. GRCh37 (hg19) VCF-style: chr8-19263470-G-A.
Other names: c.1420C>T, p.His474Tyr (NM_001130518.2, NM_001354475.2, NM_001354476.2 and 18 more transcripts); short protein forms H474Y.
Identifiers: ClinVar variation 1415309 (VCV001415309.6), dbSNP rs2153657774, ClinGen allele CA370458879.

ClinVar aggregate classification (germline): Uncertain significance (1 of 4 stars; one submission).

Submission:

Labcorp Genetics (formerly Invitae), Labcorp
Classification: Uncertain significance. Last evaluated: 2021-09-07. Review status: criteria provided, single submitter. Criteria: Invitae Variant Classification Sherloc (09022015). Collection method: clinical testing. Allele origin: germline.
Comment: This sequence change replaces histidine with tyrosine at codon 474 of the CSGALNACT1 protein (p.His474Tyr). The histidine residue is highly conserved and there is a moderate physicochemical difference between histidine and tyrosine. This variant is not present in population databases (ExAC no frequency). This variant has not been reported in the literature in individuals affected with CSGALNACT1-related conditions. Algorithms developed to predict the effect of missense changes on protein structure and function (SIFT, PolyPhen-2, Align-GVGD) all suggest that this variant is likely to be disruptive. In summary, the available evidence is currently insufficient to determine the role of this variant in disease. Therefore, it has been classified as a Variant of Uncertain Significance.